The following is an entry in ClinVar:

ClinVar aggregate classification (germline): Benign/Likely benign. Review status: criteria provided, multiple submitters, no conflicts (2 of 4 stars). 7 submissions from 7 submitters: Benign (1); Likely benign (6). Last evaluated 2025-04-10.

Conditions:
Hereditary cancer-predisposing syndrome. Also called: Hereditary neoplastic syndrome; Neoplastic Syndromes, Hereditary; Tumor predisposition; Hereditary Cancer Syndrome. Identifiers: Orphanet 140162, MedGen C0027672, MeSH D009386, MONDO:0015356.
Tuberous sclerosis syndrome (TSC). Also called: Tuberous Sclerosis Complex; Tuberous sclerosis. Identifiers: Orphanet 805, MedGen C0041341, MONDO:0001734.
Tuberous sclerosis 1 (TSC1). Identifiers: Orphanet 805, MedGen C1854465, MONDO:0008612, OMIM 191100.

Allele frequency attached by ClinVar (database versions not stated): gnomAD exomes below 0.00001; TOPMed 0.00001; gnomAD 0.00003 and 0.00004.
gnomAD v4.1: 5 of 1,614,134 alleles (0.00031%); highest among the groups gnomAD compares: African/African-American, 0.0053%; no homozygotes.

Submissions (7):

Myriad Genetics, Inc.
Classification: Benign for Tuberous sclerosis 1. Last evaluated: 2025-04-10. Review status: criteria provided, single submitter. Criteria: Myriad Autosomal Dominant, Autosomal Recessive and X-Linked Classification Criteria (2023). Collection method: clinical testing. Allele origin: unknown.
Comment: This variant is considered benign. This variant is a silent/synonymous amino acid change and it is not expected to impact splicing.

Labcorp Genetics (formerly Invitae), Labcorp
Classification: Likely benign for Tuberous sclerosis 1. Last evaluated: 2024-04-09. Review status: criteria provided, single submitter. Criteria: Invitae Variant Classification Sherloc (09022015). Collection method: clinical testing. Allele origin: germline.

All of Us Research Program, National Institutes of Health
Classification: Likely benign for Tuberous sclerosis syndrome. Last evaluated: 2023-09-17. Review status: criteria provided, single submitter. Criteria: ACMG Guidelines, 2015. Collection method: clinical testing. Allele origin: germline. Inheritance: Autosomal dominant inheritance. Observed: 2 variant alleles, 2 heterozygotes.
Comment: This study involves interpretation of variants in research participants for the purpose of population health screening. Participant phenotype was not available at the time of variant classification. Additional details can be found in publication PMID: 35346344, PMCID: PMC8962531

Genome-Nilou Lab
Classification: Likely benign for Tuberous sclerosis 1. Last evaluated: 2021-11-07. Review status: criteria provided, single submitter. Criteria: ACMG Guidelines, 2015. Collection method: clinical testing. Allele origin: germline. Affected: no.

Sema4
Classification: Likely benign for Hereditary cancer-predisposing syndrome. Last evaluated: 2021-06-13. Review status: criteria provided, single submitter. Criteria: Sema4 Curation Guidelines. Collection method: curation. Allele origin: germline.

GeneDx
Classification: Likely benign. Last evaluated: 2021-03-22. Review status: criteria provided, single submitter. Criteria: GeneDx Variant Classification Process June 2021. Collection method: clinical testing. Allele origin: germline. Affected: yes.

Ambry Genetics
Classification: Likely benign for Hereditary cancer-predisposing syndrome. Last evaluated: 2018-12-27. Review status: criteria provided, single submitter. Criteria: Ambry Variant Classification Scheme 2023. Collection method: clinical testing. Allele origin: germline.

NM_000368.5(TSC1):c.1884A>G (p.Leu628=)

Gene: TSC1 (TSC complex subunit 1; minus strand). Cytogenetic location: 9q34.13.
Variant type: single nucleotide variant.
Coding change: c.1884A>G on transcript NM_000368.5 (MANE Select); coding-DNA position 1884, A replaced by G.
Protein change: p.Leu628=; no amino-acid change (leucine 628 retained).
Molecular consequence: synonymous variant.
Genome position (GRCh38, 1-based): chr9:132,905,694, T>C on the plus strand (A>G on the coding strand, the complement: TSC1 is on the minus strand). VCF-style: chr9-132905694-T-C. GRCh37 (hg19) VCF-style: chr9-135781081-T-C.
Other names: c.1881A>G, p.Leu627= (NM_001162426.2); c.1731A>G, p.Leu577= (NM_001162427.2); c.1521A>G, p.Leu507= (NM_001362177.2).
Identifiers: ClinVar variation 466048 (VCV000466048.22), dbSNP rs1038140620, ClinGen allele CA200888246.
Genomic context (GRCh38, chr9:132,905,694, plus strand): 5'-CACTTCCATTGGGGAGGTAGAGGGCACACCATCTTCCTCTGTGTTTCCTTTTGCTTTCTT[T>C]AACAGCTCCTCAGTCTTCCTGATGACAAAATGATGGGCTGTCTTTGGCAATGCCACCTCA-3'
Protein context (NP_000359.1, residues 618-638): HFVIRKTEEL[Leu628=]KKAKGNTEED